The following is an entry in ClinVar:

NM_001277115.2(DNAH11):c.3442G>T (p.Glu1148Ter)

Gene: DNAH11 (dynein axonemal heavy chain 11; plus strand). Cytogenetic location: 7p15.3.
Variant type: single nucleotide variant.
Coding change: c.3442G>T on transcript NM_001277115.2 (MANE Select); coding-DNA position 3442, G replaced by T.
Protein change: p.Glu1148Ter; replaces glutamic acid 1148 with a stop codon.
Molecular consequence: nonsense.
Genome position (GRCh38, 1-based): chr7:21,601,412, G>T. VCF-style: chr7-21601412-G-T. GRCh37 (hg19) VCF-style: chr7-21641030-G-T.
Other names: short protein forms E1148*.
Identifiers: ClinVar variation 3675179 (VCV003675179.2).
Genomic context (GRCh38, chr7:21,601,412, plus strand): 5'-ATAAACTTAATTTGTGTGTATCTATGTACATATATATTTAATAGTCTGAATGAGCTACAA[G>T]AATTTATAAAGGAGACAGATTCCGGACTTCAGAGAGAATTAAATGAAGGTGATCATGATG-3'

ClinVar aggregate classification (germline): Pathogenic (1 of 4 stars; one submission).

Conditions:
Primary ciliary dyskinesia. Also called: Ciliary dyskinesia. Identifiers: Orphanet 244, MedGen C0008780, MONDO:0016575, HP:0012265.

gnomAD v4.1: 2 of 1,612,386 alleles (0.00012%); highest among the groups gnomAD compares: South Asian, 0.0011%; no homozygotes.

Submission:

Labcorp Genetics (formerly Invitae), Labcorp
Classification: Pathogenic for Primary ciliary dyskinesia. Last evaluated: 2024-02-25. Review status: criteria provided, single submitter. Criteria: Invitae Variant Classification Sherloc (09022015). Collection method: clinical testing. Allele origin: germline.
Comment: This sequence change creates a premature translational stop signal (p.Glu1148*) in the DNAH11 gene. It is expected to result in an absent or disrupted protein product. Loss-of-function variants in DNAH11 are known to be pathogenic (PMID: 18022865, 20513915, 22184204). This variant is not present in population databases (gnomAD no frequency). This variant has not been reported in the literature in individuals affected with DNAH11-related conditions. Algorithms developed to predict the effect of sequence changes on RNA splicing suggest that this variant may disrupt the consensus splice site. For these reasons, this variant has been classified as Pathogenic.

Literature cited by the submitters: PubMed 18022865; PubMed 20513915; PubMed 22184204.